The following is an entry in ClinVar:

NM_001134363.3(RBM20):c.2672G>A (p.Ser891Asn)

Gene: RBM20 (RNA binding motif protein 20; plus strand). Cytogenetic location: 10q25.2.
Variant type: single nucleotide variant.
Coding change: c.2672G>A on transcript NM_001134363.3 (MANE Select); coding-DNA position 2672, G replaced by A.
Protein change: p.Ser891Asn; replaces serine 891 with asparagine.
Molecular consequence: missense variant.
Genome position (GRCh38, 1-based): chr10:110,821,291, G>A. VCF-style: chr10-110821291-G-A. GRCh37 (hg19) VCF-style: chr10-112581049-G-A.
Other names: short protein forms S891N.
Identifiers: ClinVar variation 2099508 (VCV002099508.4), dbSNP rs1212672627, ClinGen allele CA378377121.
Genomic context (GRCh38, chr10:110,821,291, plus strand): 5'-TGCTCTCAACCACCCTCTGACCTCCATTCTGCATTTTTGTACAGGAACAAGATTGGGAGA[G>A]TGAAAGTGAGGCAGAGGGGGAGAGCTGGTATCCCACTAACATGGAGGAGCTGGTGACAGT-3'
Protein context (NP_001127835.2, residues 881-901): TRTKKEQDWE[Ser891Asn]ESEAEGESWY

ClinVar aggregate classification (germline): Uncertain significance (1 of 4 stars; one submission).

Conditions:
Dilated cardiomyopathy 1DD (CMD1DD). Identifiers: Orphanet 154, MedGen C2750995, MONDO:0013168, OMIM 613172.

Allele frequency attached by ClinVar (database versions not stated): TOPMed below 0.00001; gnomAD 0.00001; gnomAD exomes 0.00001.
gnomAD v4.1: 4 of 1,551,232 alleles (0.00026%); highest among the groups gnomAD compares: Admixed American, 0.002%; no homozygotes.

Submission:

Labcorp Genetics (formerly Invitae), Labcorp
Classification: Uncertain significance for Dilated cardiomyopathy 1DD. Last evaluated: 2024-11-12. Review status: criteria provided, single submitter. Criteria: Invitae Variant Classification Sherloc (09022015). Collection method: clinical testing. Allele origin: germline.
Comment: This sequence change replaces serine, which is neutral and polar, with asparagine, which is neutral and polar, at codon 891 of the RBM20 protein (p.Ser891Asn). This variant is not present in population databases (gnomAD no frequency). This variant has not been reported in the literature in individuals affected with RBM20-related conditions. ClinVar contains an entry for this variant (Variation ID: 2099508). Invitae Evidence Modeling of protein sequence and biophysical properties (such as structural, functional, and spatial information, amino acid conservation, physicochemical variation, residue mobility, and thermodynamic stability) indicates that this missense variant is not expected to disrupt RBM20 protein function with a negative predictive value of 95%. In summary, the available evidence is currently insufficient to determine the role of this variant in disease. Therefore, it has been classified as a Variant of Uncertain Significance.